The following is an entry in ClinVar:

NM_000094.4(COL7A1):c.1241-12T>G

Gene: COL7A1 (collagen type VII alpha 1 chain; minus strand). Cytogenetic location: 3p21.31.
Variant type: single nucleotide variant.
Coding change: c.1241-12T>G on transcript NM_000094.4 (MANE Select); 12 bases into the intron before coding-DNA position 1241, T replaced by G.
Molecular consequence: intron variant.
Genome position (GRCh38, 1-based): chr3:48,592,026, A>C on the plus strand (T>G on the coding strand, the complement: COL7A1 is on the minus strand). VCF-style: chr3-48592026-A-C. GRCh37 (hg19) VCF-style: chr3-48629459-A-C.
Identifiers: ClinVar variation 2696258 (VCV002696258.3), dbSNP rs2531319761, ClinGen allele CA2697550874.

ClinVar aggregate classification (germline): Uncertain significance (1 of 4 stars; one submission).

Submission:

Labcorp Genetics (formerly Invitae), Labcorp
Classification: Uncertain significance. Last evaluated: 2023-11-15. Review status: criteria provided, single submitter. Criteria: Invitae Variant Classification Sherloc (09022015). Collection method: clinical testing. Allele origin: germline.
Comment: This sequence change falls in intron 9 of the COL7A1 gene. It does not directly change the encoded amino acid sequence of the COL7A1 protein. This variant is not present in population databases (gnomAD no frequency). This variant has not been reported in the literature in individuals affected with COL7A1-related conditions. Algorithms developed to predict the effect of sequence changes on RNA splicing suggest that this variant may disrupt the consensus splice site. In summary, the available evidence is currently insufficient to determine the role of this variant in disease. Therefore, it has been classified as a Variant of Uncertain Significance.